The following is an entry in ClinVar:

ClinVar aggregate classification (germline): Pathogenic (1 of 4 stars; one submission).

Conditions:
Peroxisome biogenesis disorder, complementation group 7 (CG7). Also called: Peroxisome biogenesis disorder, complementation group B. Identifiers: MedGen C1864399.

Submission:

Labcorp Genetics (formerly Invitae), Labcorp
Classification: Pathogenic for Peroxisome biogenesis disorder, complementation group 7. Last evaluated: 2023-10-05. Review status: criteria provided, single submitter. Criteria: Invitae Variant Classification Sherloc (09022015). Collection method: clinical testing. Allele origin: germline.
Comment: This sequence change results in a frameshift in the PEX10 gene (p.Glu298Glyfs*61). While this is not anticipated to result in nonsense mediated decay, it is expected to disrupt the last 49 amino acid(s) of the PEX10 protein and extend the protein by 11 additional amino acid residues. This variant is not present in population databases (gnomAD no frequency). This variant has not been reported in the literature in individuals affected with PEX10-related conditions. This variant disrupts a region of the PEX10 protein in which other variant(s) (p.Arg331Gln) have been determined to be pathogenic (PMID: 20695019, 27230853). This suggests that this is a clinically significant region of the protein, and that variants that disrupt it are likely to be disease-causing. For these reasons, this variant has been classified as Pathogenic.

Literature cited by the submitters: PubMed 20695019; PubMed 27230853.

NM_002617.4(PEX10):c.832dup (p.Glu278fs)

Gene: PEX10 (peroxisomal biogenesis factor 10; minus strand). Cytogenetic location: 1p36.32.
Variant type: Duplication.
Coding change: c.832dup on transcript NM_002617.4 (MANE Select); coding-DNA position 832, one base duplicated (G; older notation c.832dupG).
Protein change: p.Glu278fs; shifts the reading frame from glutamic acid 278.
Molecular consequence: frameshift variant. On other transcripts: non-coding transcript variant (1).
Genome position (GRCh38, 1-based): chr1:2,406,564, C duplicated on the plus strand (G on the coding strand, the reverse complement: PEX10 is on the minus strand); the first of 2 consecutive C bases (chr1:2,406,564-2,406,565); duplicating either gives the same sequence. VCF-style (leftmost placement, unchanged base first): chr1-2406563-T-TC. GRCh37 (hg19) VCF-style: chr1-2338002-T-TC.
Other names: c.889dup, p.Glu297fs (NM_001374425.1); c.457dup, p.Glu153fs (NM_001374426.1); c.892dup, p.Glu298fs (NM_153818.2); c.400dup, p.Glu134fs (NM_001374427.1); short protein forms E298fs, E153fs, E134fs, E278fs, E297fs.
Identifiers: ClinVar variation 2765985 (VCV002765985.3), dbSNP rs2522256932, ClinGen allele CA2697552029.